The following is an entry in ClinVar:

NM_001114753.3(ENG):c.650A>T (p.Glu217Val)

Gene: ENG (endoglin; minus strand). Cytogenetic location: 9q34.11.
Variant type: single nucleotide variant.
Coding change: c.650A>T on transcript NM_001114753.3 (MANE Select); coding-DNA position 650, A replaced by T.
Protein change: p.Glu217Val; replaces glutamic acid 217 with valine.
Molecular consequence: missense variant.
Genome position (GRCh38, 1-based): chr9:127,825,734, T>A on the plus strand (A>T on the coding strand, the complement: ENG is on the minus strand). VCF-style: chr9-127825734-T-A. GRCh37 (hg19) VCF-style: chr9-130588013-T-A.
Other names: c.650A>T, p.Glu217Val (NM_000118.4, NM_001406715.1); c.104A>T, p.Glu35Val (NM_001278138.2); short protein forms E217V, E35V.
Identifiers: ClinVar variation 5036005 (VCV005036005.1).

ClinVar aggregate classification (germline): Uncertain significance (1 of 4 stars; one submission).

Conditions:
Cardiovascular phenotype. Identifiers: MedGen CN230736.

Submission:

Ambry Genetics
Classification: Uncertain significance for Cardiovascular phenotype. Last evaluated: 2026-09-13. Review status: criteria provided, single submitter. Criteria: Ambry Variant Classification Scheme 2023. Collection method: clinical testing. Allele origin: germline.
Comment: The p.E217V variant (also known as c.650A>T), located in coding exon 5 of the ENG gene, results from an A to T substitution at nucleotide position 650. The glutamic acid at codon 217 is replaced by valine, an amino acid with dissimilar properties. This amino acid position is conserved. In addition, this alteration is predicted to be tolerated by in silico analysis. Based on the available evidence, the clinical significance of this variant remains unclear.